The following is an entry in ClinVar:

ClinVar aggregate classification (germline): Benign. Review status: criteria provided, multiple submitters, no conflicts (2 of 4 stars). 2 submissions from 2 submitters: Benign (2). Last evaluated 2018-06-16.

Allele frequency attached by ClinVar (database versions not stated): ESP Exome Variant Server 0.02945; gnomAD 0.03009 and 0.03198; TOPMed 0.03033; gnomAD exomes 0.04096 and 0.04485; 1000 Genomes Project 30x 0.04122; 1000 Genomes Project 0.04233; ExAC 0.04285.
gnomAD v4.1: 70,087 of 1,608,576 alleles (4.4%); highest among the groups gnomAD compares: South Asian, 9%; 1,829 homozygotes.

Submissions (2):

GeneDx
Classification: Benign. Last evaluated: 2018-06-16. Review status: criteria provided, single submitter. Criteria: GeneDx Variant Classification (06012015). Collection method: clinical testing. Allele origin: germline. Affected: yes.
Comment: This variant is considered likely benign or benign based on one or more of the following criteria: it is a conservative change, it occurs at a poorly conserved position in the protein, it is predicted to be benign by multiple in silico algorithms, and/or has population frequency not consistent with disease.

Breakthrough Genomics
Classification: Benign. Review status: criteria provided, single submitter. Criteria: ACMG Guidelines, 2015. Collection method: not provided. Allele origin: germline. Inheritance: Autosomal dominant inheritance. Affected: yes.

NM_001003800.2(BICD2):c.2107-21C>T

Gene: BICD2 (BICD cargo adaptor 2; minus strand). Cytogenetic location: 9q22.31.
Variant type: single nucleotide variant.
Coding change: c.2107-21C>T on transcript NM_001003800.2 (MANE Select); 21 bases into the intron before coding-DNA position 2107, C replaced by T.
Molecular consequence: intron variant.
Genome position (GRCh38, 1-based): chr9:92,717,969, G>A on the plus strand (C>T on the coding strand, the complement: BICD2 is on the minus strand). VCF-style: chr9-92717969-G-A. GRCh37 (hg19) VCF-style: chr9-95480251-G-A.
Other names: c.2107-21C>T (NM_015250.4).
Identifiers: ClinVar variation 670372 (VCV000670372.2), dbSNP rs79574551, ClinGen allele CA5126393.